The following is an entry in ClinVar:

NM_001845.6(COL4A1):c.791G>A (p.Gly264Asp)

Gene: COL4A1 (collagen type IV alpha 1 chain; minus strand). Cytogenetic location: 13q34.
Variant type: single nucleotide variant.
Coding change: c.791G>A on transcript NM_001845.6 (MANE Select); coding-DNA position 791, G replaced by A.
Protein change: p.Gly264Asp; replaces glycine 264 with aspartic acid.
Molecular consequence: missense variant.
Genome position (GRCh38, 1-based): chr13:110,206,881, C>T on the plus strand (G>A on the coding strand, the complement: COL4A1 is on the minus strand). VCF-style: chr13-110206881-C-T. GRCh37 (hg19) VCF-style: chr13-110859228-C-T.
Other names: c.791G>A, p.Gly264Asp (NM_001303110.2); short protein forms G264D.
Identifiers: ClinVar variation 2751686 (VCV002751686.3), dbSNP rs2501584917, ClinGen allele CA388724988.
Genomic context (GRCh38, chr13:110,206,881, plus strand): 5'-ATGGTCTTTGACCTAAAAATGATAGGCAGAAACTGAGTACTGACCTGAAATCCAGGTTCA[C>T]CTTTTTGGCCCTGAAAGAATTCGAGAGACAGATCAGCACTATCAAACAGCTGTATCATTT-3'
Protein context (NP_001836.3, residues 254-274): FATKGEKGQK[Gly264Asp]EPGFQGMPGV

ClinVar aggregate classification (germline): Likely pathogenic (1 of 4 stars; one submission).

Submission:

Labcorp Genetics (formerly Invitae), Labcorp
Classification: Likely pathogenic. Last evaluated: 2023-08-10. Review status: criteria provided, single submitter. Criteria: Invitae Variant Classification Sherloc (09022015). Collection method: clinical testing. Allele origin: germline.
Comment: This variant is not present in population databases (gnomAD no frequency). In summary, the currently available evidence indicates that the variant is pathogenic, but additional data are needed to prove that conclusively. Therefore, this variant has been classified as Likely Pathogenic. This variant disrupts the triple helix domain of COL4A1. Glycine residues within the Gly-Xaa-Yaa repeats of the triple helix domain are required for the structure and stability of fibrillar collagens (PMID: 7695699, 8218237, 19344236). In COL4A1 variants affecting these glycine residues are significantly enriched in individuals with disease (PMID: 9016532, 17078022) compared to the general population (ExAC). Advanced modeling of protein sequence and biophysical properties (such as structural, functional, and spatial information, amino acid conservation, physicochemical variation, residue mobility, and thermodynamic stability) performed at Invitae indicates that this missense variant is expected to disrupt COL4A1 protein function. This variant has not been reported in the literature in individuals affected with COL4A1-related conditions. This sequence change replaces glycine, which is neutral and non-polar, with aspartic acid, which is acidic and polar, at codon 264 of the COL4A1 protein (p.Gly264Asp).

Literature cited by the submitters: PubMed 7695699; PubMed 8218237; PubMed 19344236; PubMed 9016532; PubMed 17078022.